The following is an entry in ClinVar:

ClinVar aggregate classification (germline): Uncertain significance (1 of 4 stars; one submission).

Submission:

Labcorp Genetics (formerly Invitae), Labcorp
Classification: Uncertain significance. Last evaluated: 2025-02-24. Review status: criteria provided, single submitter. Criteria: Invitae Variant Classification Sherloc (09022015). Collection method: clinical testing. Allele origin: germline.
Comment: This sequence change replaces valine, which is neutral and non-polar, with methionine, which is neutral and non-polar, at codon 267 of the PCYT1A protein (p.Val267Met). This variant is present in population databases (rs750077469, gnomAD 0.002%). This variant has not been reported in the literature in individuals affected with PCYT1A-related conditions. Invitae Evidence Modeling of protein sequence and biophysical properties (such as structural, functional, and spatial information, amino acid conservation, physicochemical variation, residue mobility, and thermodynamic stability) indicates that this missense variant is not expected to disrupt PCYT1A protein function with a negative predictive value of 95%. In summary, the available evidence is currently insufficient to determine the role of this variant in disease. Therefore, it has been classified as a Variant of Uncertain Significance.

NM_001312673.2(PCYT1A):c.799G>A (p.Val267Met)

Gene: PCYT1A (phosphate cytidylyltransferase 1A, choline; minus strand). Cytogenetic location: 3q29.
Variant type: single nucleotide variant.
Coding change: c.799G>A on transcript NM_001312673.2 (MANE Select); coding-DNA position 799, G replaced by A.
Protein change: p.Val267Met; replaces valine 267 with methionine.
Molecular consequence: missense variant.
Genome position (GRCh38, 1-based): chr3:196,239,645, C>T on the plus strand (G>A on the coding strand, the complement: PCYT1A is on the minus strand). VCF-style: chr3-196239645-C-T. GRCh37 (hg19) VCF-style: chr3-195966516-C-T.
Other names: c.799G>A, p.Val267Met (NM_005017.4); short protein forms V267M.
Identifiers: ClinVar variation 4737715 (VCV004737715.1).